The following is an entry in ClinVar:

ClinVar aggregate classification (germline): Uncertain significance (1 of 4 stars; one submission).

Conditions:
Carney complex, type 1 (CNC1). Also called: CARNEY COMPLEX, TYPE I; CARNEY MYXOMA-ENDOCRINE COMPLEX. Identifiers: Orphanet 1359, MedGen C2607929, MONDO:0008057, OMIM 160980.

Submission:

Labcorp Genetics (formerly Invitae), Labcorp
Classification: Uncertain significance for Carney complex, type 1. Last evaluated: 2024-08-30. Review status: criteria provided, single submitter. Criteria: Invitae Variant Classification Sherloc (09022015). Collection method: clinical testing. Allele origin: germline.
Comment: This sequence change falls in intron 2 of the PRKAR1A gene. It does not directly change the encoded amino acid sequence of the PRKAR1A protein. This variant is not present in population databases (gnomAD no frequency). This variant has not been reported in the literature in individuals affected with PRKAR1A-related conditions. Studies have shown that this variant is associated with inconclusive levels of altered splicing (internal data). In summary, the available evidence is currently insufficient to determine the role of this variant in disease. Therefore, it has been classified as a Variant of Uncertain Significance.

NM_002734.5(PRKAR1A):c.178-5T>C

Gene: PRKAR1A (protein kinase cAMP-dependent type I regulatory subunit alpha; plus strand). Cytogenetic location: 17q24.2.
Variant type: single nucleotide variant.
Coding change: c.178-5T>C on transcript NM_002734.5 (MANE Select); 5 bases into the intron before coding-DNA position 178, T replaced by C.
Molecular consequence: intron variant.
Genome position (GRCh38, 1-based): chr17:68,522,751, T>C. VCF-style: chr17-68522751-T-C. GRCh37 (hg19) VCF-style: chr17-66518892-T-C.
Other names: c.178-5T>C (NM_001278433.2, NM_001369389.1, NM_212471.3 and 4 more transcripts).
Identifiers: ClinVar variation 3662820 (VCV003662820.2).